The following is an entry in ClinVar:

ClinVar aggregate classification (germline): Uncertain significance (1 of 4 stars; one submission).

Conditions:
Ehlers-Danlos syndrome, musculocontractural type 2 (EDSMC2). Identifiers: Orphanet 2953, MedGen C3809845, MONDO:0014236, OMIM 615539.

Allele frequency attached by ClinVar (database versions not stated): TOPMed below 0.00001; ExAC 0.00001; gnomAD exomes 0.00001; ESP Exome Variant Server 0.00008.
gnomAD v4.1: 8 of 1,614,106 alleles (0.0005%); highest among the groups gnomAD compares: Non-Finnish European, 0.00068%; no homozygotes.

Submission:

Labcorp Genetics (formerly Invitae), Labcorp
Classification: Uncertain significance for Ehlers-Danlos syndrome, musculocontractural type 2. Last evaluated: 2023-08-17. Review status: criteria provided, single submitter. Criteria: Invitae Variant Classification Sherloc (09022015). Collection method: clinical testing. Allele origin: germline.
Comment: This sequence change replaces arginine, which is basic and polar, with threonine, which is neutral and polar, at codon 892 of the DSE protein (p.Arg892Thr). This variant is present in population databases (rs371032206, gnomAD 0.003%). This variant has not been reported in the literature in individuals affected with DSE-related conditions. ClinVar contains an entry for this variant (Variation ID: 1904708). An algorithm developed to predict the effect of missense changes on protein structure and function (PolyPhen-2) suggests that this variant is likely to be tolerated. In summary, the available evidence is currently insufficient to determine the role of this variant in disease. Therefore, it has been classified as a Variant of Uncertain Significance.

NM_013352.4(DSE):c.2675G>C (p.Arg892Thr)

Gene: DSE (dermatan sulfate epimerase; plus strand). Cytogenetic location: 6q22.1.
Variant type: single nucleotide variant.
Coding change: c.2675G>C on transcript NM_013352.4 (MANE Select); coding-DNA position 2675, G replaced by C.
Protein change: p.Arg892Thr; replaces arginine 892 with threonine.
Molecular consequence: missense variant. On other transcripts: 3 prime UTR variant (2), non-coding transcript variant (1).
Genome position (GRCh38, 1-based): chr6:116,437,143, G>C. VCF-style: chr6-116437143-G-C. GRCh37 (hg19) VCF-style: chr6-116758306-G-C.
Other names: c.2675G>C, p.Arg892Thr (NM_001080976.3, NM_001322937.2, NM_001322938.2); c.2732G>C, p.Arg911Thr (NM_001322939.2); c.2114G>C, p.Arg705Thr (NM_001322940.2, NM_001322941.2); c.*1540G>C (NM_001322943.2, NM_001322944.2); c.1676G>C, p.Arg559Thr (NM_001374520.1); c.1640G>C, p.Arg547Thr (NM_001374521.1); short protein forms R559T, R911T, R547T, R705T, R892T.
Identifiers: ClinVar variation 1904708 (VCV001904708.5), dbSNP rs371032206, ClinGen allele CA3969855.